The following is an entry in ClinVar:

ClinVar aggregate classification (germline): Uncertain significance (1 of 4 stars; one submission).

Conditions:
Amyotrophic lateral sclerosis type 21. Also called: VOCAL CORD AND PHARYNGEAL DYSFUNCTION WITH DISTAL MYOPATHY; MYOPATHY, DISTAL, 2. Identifiers: Orphanet 600, Orphanet 803, MedGen C3807521, MONDO:0011632, OMIM 606070.

gnomAD v4.1: 1 of 1,613,644 alleles (0.000062%); highest among the groups gnomAD compares: South Asian, 0.0011%; no homozygotes.

Submission:

Labcorp Genetics (formerly Invitae), Labcorp
Classification: Uncertain significance for Amyotrophic lateral sclerosis type 21. Last evaluated: 2022-03-18. Review status: criteria provided, single submitter. Criteria: Invitae Variant Classification Sherloc (09022015). Collection method: clinical testing. Allele origin: germline.
Comment: This variant has not been reported in the literature in individuals affected with MATR3-related conditions. Variants that disrupt the consensus splice site are a relatively common cause of aberrant splicing (PMID: 17576681, 9536098). Algorithms developed to predict the effect of sequence changes on RNA splicing suggest that this variant is not likely to affect RNA splicing. In summary, the available evidence is currently insufficient to determine the role of this variant in disease. Therefore, it has been classified as a Variant of Uncertain Significance. This variant is not present in population databases (gnomAD no frequency). This sequence change falls in intron 17 of the MATR3 gene. It does not directly change the encoded amino acid sequence of the MATR3 protein. It affects a nucleotide within the consensus splice site.

Literature cited by the submitters: PubMed 17576681; PubMed 9536098.

NM_018834.6(MATR3):c.2493+3A>G

Gene: MATR3 (matrin 3; plus strand). Cytogenetic location: 5q31.2.
Variant type: single nucleotide variant.
Coding change: c.2493+3A>G on transcript NM_018834.6 (MANE Select); 3 bases into the intron after coding-DNA position 2493, A replaced by G.
Molecular consequence: intron variant.
Genome position (GRCh38, 1-based): chr5:139,326,287, A>G. VCF-style: chr5-139326287-A-G. GRCh37 (hg19) VCF-style: chr5-138661976-A-G.
Other names: c.2493+3A>G (NM_199189.3, NM_001194954.2, NM_001194955.2); c.1479+3A>G (NM_001282278.2); c.1629+3A>G (NM_001194956.2).
Identifiers: ClinVar variation 1446875 (VCV001446875.6), dbSNP rs2152024439, ClinGen allele CA2573139188.
Genomic context (GRCh38, chr5:139,326,287, plus strand): 5'-TGAAGAAGTTGCAAAGAATACTCATTGCAGCAGCCTTCCTCATTATCAGAAATTAAAGGT[A>G]AGGTTGAATGTAAAACAGTTCTTTTGTGAAAACTTAACAAGTTATGGAAATAAGTGGGGT-3'